The following is an entry in ClinVar:

ClinVar aggregate classification (germline): Uncertain significance (1 of 4 stars; one submission).

Conditions:
Ullrich congenital muscular dystrophy 2 (UCMD2). Identifiers: Orphanet 75840, MedGen C4225314, MONDO:0014654, OMIM 616470.
Bethlem myopathy 2 (BTHLM2). Identifiers: Orphanet 536516, Orphanet 610, MedGen C4225313, MONDO:0034022, OMIM 616471.

Submission:

Labcorp Genetics (formerly Invitae), Labcorp
Classification: Uncertain significance for Bethlem myopathy 2; Ullrich congenital muscular dystrophy 2. Last evaluated: 2024-05-02. Review status: criteria provided, single submitter. Criteria: Invitae Variant Classification Sherloc (09022015). Collection method: clinical testing. Allele origin: germline.
Comment: This sequence change falls in intron 29 of the COL12A1 gene. It does not directly change the encoded amino acid sequence of the COL12A1 protein. It affects a nucleotide within the consensus splice site. This variant is not present in population databases (gnomAD no frequency). This variant has not been reported in the literature in individuals affected with COL12A1-related conditions. Variants that disrupt the consensus splice site are a relatively common cause of aberrant splicing (PMID: 17576681, 9536098). Algorithms developed to predict the effect of sequence changes on RNA splicing suggest that this variant is not likely to affect RNA splicing. In summary, the available evidence is currently insufficient to determine the role of this variant in disease. Therefore, it has been classified as a Variant of Uncertain Significance.

Literature cited by the submitters: PubMed 17576681; PubMed 9536098.

NM_004370.6(COL12A1):c.5230+3A>G

Gene: COL12A1 (collagen type XII alpha 1 chain; minus strand). Cytogenetic location: 6q13.
Variant type: single nucleotide variant.
Coding change: c.5230+3A>G on transcript NM_004370.6 (MANE Select); 3 bases into the intron after coding-DNA position 5230, A replaced by G.
Molecular consequence: intron variant.
Genome position (GRCh38, 1-based): chr6:75,138,445, T>C on the plus strand (A>G on the coding strand, the complement: COL12A1 is on the minus strand). VCF-style: chr6-75138445-T-C. GRCh37 (hg19) VCF-style: chr6-75848161-T-C.
Other names: c.1738+3A>G (NM_001424116.1, NM_080645.3); c.4957+3A>G (NM_001424115.1); c.5230+3A>G (NM_001424114.1, NM_001424113.1).
Identifiers: ClinVar variation 3755997 (VCV003755997.2).